The following is an entry in ClinVar:

NM_001081550.2(THOC2):c.220A>G (p.Ser74Gly)

Gene: THOC2 (THO complex subunit 2; minus strand). Cytogenetic location: Xq25.
Variant type: single nucleotide variant.
Coding change: c.220A>G on transcript NM_001081550.2 (MANE Select); coding-DNA position 220, A replaced by G.
Protein change: p.Ser74Gly; replaces serine 74 with glycine.
Molecular consequence: missense variant.
Genome position (GRCh38, 1-based): chrX:123,706,860, T>C on the plus strand (A>G on the coding strand, the complement: THOC2 is on the minus strand). VCF-style: chrX-123706860-T-C. GRCh37 (hg19) VCF-style: chrX-122840710-T-C.
Other names: short protein forms S74G.
Identifiers: ClinVar variation 2632620 (VCV002632620.1), dbSNP rs1213731346, ClinGen allele CA414279253.
Genomic context (GRCh38, chrX:123,706,860, plus strand): 5'-TGTCAAAGCAAAAAGATATATAACAACTATTAACTTAAAAAAATATATACATACTTACAC[T>C]AATGTCACTAAGAACATTAGATGCCTGTTCATGCTTTAGATTTCCTTTAATTACATGATA-3'
Protein context (NP_001075019.1, residues 64-84): EQASNVLSDI[Ser74Gly]EFREDMPSIL

ClinVar aggregate classification (germline): Uncertain significance (1 of 4 stars; one submission).

Conditions:
THOC2-related disorder. Also called: THOC2-related condition.

Allele frequency attached by ClinVar (database versions not stated): gnomAD exomes below 0.00001; TOPMed 0.00001.
gnomAD v4.1: 1 of 1,061,332 alleles (0.000094%); highest among the groups gnomAD compares: East Asian, 0.0032%; no homozygotes.

Submission:

PreventionGenetics, part of Exact Sciences
Classification: Uncertain significance for THOC2-related condition. Last evaluated: 2023-06-15. Review status: criteria provided, single submitter. Criteria: ACMG Guidelines, 2015. Collection method: clinical testing. Allele origin: germline.
Comment: The THOC2 c.220A>G variant is predicted to result in the amino acid substitution p.Ser74Gly. To our knowledge, this variant has not been reported in the literature or in a large population database, indicating this variant is rare. At this time, the clinical significance of this variant is uncertain due to the absence of conclusive functional and genetic evidence.